The following is an entry in ClinVar:

NM_001318789.2(TLR2):c.195C>T (p.Thr65=)

Gene: TLR2 (toll like receptor 2; plus strand). Cytogenetic location: 4q31.3.
Variant type: single nucleotide variant.
Coding change: c.195C>T on transcript NM_001318789.2 (MANE Select); coding-DNA position 195, C replaced by T.
Protein change: p.Thr65=; no amino-acid change (threonine 65 retained).
Molecular consequence: synonymous variant.
Genome position (GRCh38, 1-based): chr4:153,703,102, C>T. VCF-style: chr4-153703102-C-T. GRCh37 (hg19) VCF-style: chr4-154624254-C-T.
Other names: c.195C>T, p.Thr65= (NM_001318787.2, NM_001318790.2, NM_001318791.2 and 4 more transcripts).
Identifiers: ClinVar variation 3041175 (VCV003041175.2), dbSNP rs150163172, ClinGen allele CA3110683.

ClinVar aggregate classification (germline): Likely benign (0 of 4 stars; one submission).

Conditions:
TLR2-related disorder. Also called: TLR2-related condition.

Allele frequency attached by ClinVar (database versions not stated): ESP Exome Variant Server 0.00008; ExAC 0.00016; gnomAD exomes 0.00024; gnomAD 0.00036; TOPMed 0.00038.
gnomAD v4.1: 404 of 1,614,030 alleles (0.025%); highest among the groups gnomAD compares: Admixed American, 0.1%; no homozygotes.

Submission:

PreventionGenetics, part of Exact Sciences
Classification: Likely benign for TLR2-related condition. Last evaluated: 2019-02-21. Review status: no assertion criteria provided. Collection method: clinical testing. Allele origin: germline.
Comment: This variant is classified as likely benign based on ACMG/AMP sequence variant interpretation guidelines (Richards et al. 2015 PMID: 25741868, with internal and published modifications).